The following is an entry in ClinVar:

ClinVar aggregate classification (germline): Likely benign. Review status: criteria provided, multiple submitters, no conflicts (2 of 4 stars). 2 submissions from 2 submitters: Likely benign (2). Last evaluated 2025-04-27.

Conditions:
3-Methylglutaconic aciduria type 2 (BTHS). Also called: CARDIOSKELETAL MYOPATHY WITH NEUTROPENIA AND ABNORMAL MITOCHONDRIA; Barth syndrome. Identifiers: Orphanet 111, MedGen C0574083, MONDO:0010543, OMIM 302060.

Allele frequency attached by ClinVar (database versions not stated): gnomAD exomes below 0.00001; gnomAD 0.00001; TOPMed 0.00001.
gnomAD v4.1: 3 of 1,191,963 alleles (0.00025%); highest among the groups gnomAD compares: Non-Finnish European, 0.00034%; no homozygotes.

Submissions (2):

Labcorp Genetics (formerly Invitae), Labcorp
Classification: Likely benign for 3-Methylglutaconic aciduria type 2. Last evaluated: 2025-04-27. Review status: criteria provided, single submitter. Criteria: Invitae Variant Classification Sherloc (09022015). Collection method: clinical testing. Allele origin: germline.

GeneDx
Classification: Likely benign. Last evaluated: 2020-10-07. Review status: criteria provided, single submitter. Criteria: GeneDx Variant Classification Process June 2021. Collection method: clinical testing. Allele origin: germline. Affected: yes.
Comment: In silico analysis supports that this variant does not alter splicing; Nucleotide substitution has no predicted effect on splicing and is not conserved across species; Has not been previously published as pathogenic or benign to our knowledge

NM_000116.5(TAFAZZIN):c.238+11C>G

Gene: TAFAZZIN (tafazzin, phospholipid-lysophospholipid transacylase; plus strand). Cytogenetic location: Xq28.
Variant type: single nucleotide variant.
Coding change: c.238+11C>G on transcript NM_000116.5 (MANE Select); 11 bases into the intron after coding-DNA position 238, C replaced by G.
Molecular consequence: intron variant.
Genome position (GRCh38, 1-based): chrX:154,412,225, C>G. VCF-style: chrX-154412225-C-G. GRCh37 (hg19) VCF-style: chrX-153640562-C-G.
Other names: c.292+11C>G (NM_001303465.2); c.238+11C>G (NM_181312.4, NM_181311.4, NM_181313.4).
Identifiers: ClinVar variation 680097 (VCV000680097.7), dbSNP rs1163786089, ClinGen allele CA873333862.
Genomic context (GRCh38, chrX:154,412,225, plus strand): 5'-CATCACCGTGTCCAATCACCAGTCCTGCATGGACGACCCTCATCTCTGGGGTACCCGGGC[C>G]AGTGTGCTGGGCAGGGGGAGGAAAGGCGAGGATTCGGGACGGGCCCAGCCTCGTCAGAAC-3'